The following is an entry in ClinVar:

NM_005902.4(SMAD3):c.329A>C (p.Glu110Ala)

Gene: SMAD3 (SMAD family member 3; plus strand). Cytogenetic location: 15q22.33.
Variant type: single nucleotide variant.
Coding change: c.329A>C on transcript NM_005902.4 (MANE Select); coding-DNA position 329, A replaced by C.
Protein change: p.Glu110Ala; replaces glutamic acid 110 with alanine.
Molecular consequence: missense variant.
Genome position (GRCh38, 1-based): chr15:67,165,017, A>C. VCF-style: chr15-67165017-A-C. GRCh37 (hg19) VCF-style: chr15-67457355-A-C.
Other names: c.14A>C, p.Glu5Ala (NM_001145102.2, NM_001407015.1, NM_001407016.1); c.197A>C, p.Glu66Ala (NM_001145103.2); c.329A>C, p.Glu110Ala (NM_001407011.1, NM_001407012.1, NM_001407013.1); c.182A>C, p.Glu61Ala (NM_001407014.1); short protein forms E110A, E5A, E61A, E66A.
Identifiers: ClinVar variation 4686454 (VCV004686454.1).

ClinVar aggregate classification (germline): Uncertain significance (1 of 4 stars; one submission).

Submission:

GeneDx
Classification: Uncertain significance. Last evaluated: 2025-07-15. Review status: criteria provided, single submitter. Criteria: GeneDx Variant Classification Process June 2021. Collection method: clinical testing. Allele origin: germline. Affected: yes.
Comment: Not observed at significant frequency in large population cohorts (gnomAD); In silico analysis supports that this missense variant has a deleterious effect on protein structure/function; Has not been previously published as pathogenic or benign to our knowledge